The following is an entry in ClinVar:

NM_002878.4(RAD51D):c.289C>G (p.Leu97Val)

Genes: RAD51L3-RFFL (RAD51L3-RFFL readthrough; minus strand), RAD51D (RAD51 paralog D; minus strand). Cytogenetic location: 17q12.
Variant type: single nucleotide variant.
Coding change: c.289C>G on transcript NM_002878.4 (MANE Select); coding-DNA position 289, C replaced by G.
Protein change: p.Leu97Val; replaces leucine 97 with valine.
Molecular consequence: missense variant. On other transcripts: non-coding transcript variant (2), intron variant (1).
Genome position (GRCh38, 1-based): chr17:35,107,422, G>C on the plus strand (C>G on the coding strand, the complement: RAD51D is on the minus strand). VCF-style: chr17-35107422-G-C. GRCh37 (hg19) VCF-style: chr17-33434441-G-C.
Other names: c.349C>G, p.Leu117Val (NM_001142571.2); c.145-941C>G (NM_133629.3); short protein forms L117V, L97V.
Identifiers: ClinVar variation 1721657 (VCV001721657.5), dbSNP rs2091621288, ClinGen allele CA399089986.

ClinVar aggregate classification (germline): Uncertain significance (1 of 4 stars; one submission).

Conditions:
Breast-ovarian cancer, familial, susceptibility to, 4. Identifiers: Orphanet 145, MedGen C3280345, MONDO:0013669, OMIM 614291.

Submission:

Labcorp Genetics (formerly Invitae), Labcorp
Classification: Uncertain significance for Breast-ovarian cancer, familial, susceptibility to, 4. Last evaluated: 2022-10-14. Review status: criteria provided, single submitter. Criteria: Invitae Variant Classification Sherloc (09022015). Collection method: clinical testing. Allele origin: germline.
Comment: In summary, the available evidence is currently insufficient to determine the role of this variant in disease. Therefore, it has been classified as a Variant of Uncertain Significance. Advanced modeling of protein sequence and biophysical properties (such as structural, functional, and spatial information, amino acid conservation, physicochemical variation, residue mobility, and thermodynamic stability) performed at Invitae indicates that this missense variant is not expected to disrupt RAD51D protein function. This variant has not been reported in the literature in individuals affected with RAD51D-related conditions. This variant is not present in population databases (gnomAD no frequency). This sequence change replaces leucine, which is neutral and non-polar, with valine, which is neutral and non-polar, at codon 97 of the RAD51D protein (p.Leu97Val).